The following is an entry in ClinVar:

NM_001429.4(EP300):c.742A>C (p.Asn248His)

Gene: EP300 (EP300 lysine acetyltransferase; plus strand). Cytogenetic location: 22q13.2.
Variant type: single nucleotide variant.
Coding change: c.742A>C on transcript NM_001429.4 (MANE Select); coding-DNA position 742, A replaced by C.
Protein change: p.Asn248His; replaces asparagine 248 with histidine.
Molecular consequence: missense variant.
Genome position (GRCh38, 1-based): chr22:41,125,876, A>C. VCF-style: chr22-41125876-A-C. GRCh37 (hg19) VCF-style: chr22-41521880-A-C.
Other names: c.742A>C, p.Asn248His (NM_001362843.2); c.742A>C (NM_001429.3); short protein forms N248H.
Identifiers: ClinVar variation 2756682 (VCV002756682.8), dbSNP rs777191526, ClinGen allele CA10252346.

ClinVar aggregate classification (germline): Conflicting classifications of pathogenicity. Review status: criteria provided, conflicting classifications (1 of 4 stars). 3 submissions from 3 submitters: Uncertain significance (2); Likely benign (1). Last evaluated 2026-07-09.

Conditions:
EP300-related disorder. Also called: EP300-related condition; EP300-related disorders.
Rubinstein-Taybi syndrome due to EP300 haploinsufficiency. Also called: EP300-Related Rubinstein-Taybi Syndrome; RUBINSTEIN-TAYBI SYNDROME 2. Identifiers: Orphanet 353284, Orphanet 783, MedGen C3150941, MONDO:0013364, OMIM 613684.

Allele frequency attached by ClinVar (database versions not stated): gnomAD exomes 0.00002; TOPMed 0.00002; gnomAD 0.00003; ExAC 0.00004.
gnomAD v4.1: 39 of 1,614,046 alleles (0.0024%); highest among the groups gnomAD compares: Non-Finnish European, 0.0033%; no homozygotes.

Submissions (3):

PreventionGenetics, part of Exact Sciences
Classification: Uncertain significance for EP300-related condition. Last evaluated: 2026-07-09. Review status: criteria provided, single submitter. Criteria: ACMG Guidelines, 2015. Collection method: clinical testing. Allele origin: germline.
Comment: The EP300 c.742A>C variant is predicted to result in the amino acid substitution p.Asn248His. This variant has been reported in an individual with aortic atresia, hypoplastic left heart syndrome and mitral stenosis (Data Set 4, Sierant et al. 2025. PubMed ID: 40127276). This variant is reported in 0.0062% of alleles in individuals of European (Non-Finnish) descent in gnomAD, which may be too frequent to be a primary cause of disease. Although we suspect that this variant may be benign, at this time, the clinical significance of this variant is uncertain due to the absence of conclusive functional and genetic evidence.

CeGaT Center for Human Genetics Tuebingen
Classification: Likely benign. Last evaluated: 2026-01-01. Review status: criteria provided, single submitter. Criteria: CeGaT Center For Human Genetics Tuebingen Variant Classification Criteria Version 2. Collection method: clinical testing. Allele origin: germline. Affected: yes. Observed: 1 variant allele.
Comment: EP300: BS2

Labcorp Genetics (formerly Invitae), Labcorp
Classification: Uncertain significance for Rubinstein-Taybi syndrome due to EP300 haploinsufficiency. Last evaluated: 2025-12-10. Review status: criteria provided, single submitter. Criteria: Invitae Variant Classification Sherloc (09022015). Collection method: clinical testing. Allele origin: germline.
Comment: This sequence change replaces asparagine, which is neutral and polar, with histidine, which is basic and polar, at codon 248 of the EP300 protein (p.Asn248His). This variant is present in population databases (rs777191526, gnomAD 0.006%). This variant has not been reported in the literature in individuals affected with EP300-related conditions. ClinVar contains an entry for this variant (Variation ID: 2756682). Invitae Evidence Modeling of protein sequence and biophysical properties (such as structural, functional, and spatial information, amino acid conservation, physicochemical variation, residue mobility, and thermodynamic stability) indicates that this missense variant is not expected to disrupt EP300 protein function with a negative predictive value of 80%. In summary, the available evidence is currently insufficient to determine the role of this variant in disease. Therefore, it has been classified as a Variant of Uncertain Significance.